The following is an entry in ClinVar:

ClinVar aggregate classification (germline): Uncertain significance. Review status: criteria provided, multiple submitters, no conflicts (2 of 4 stars). 3 submissions from 3 submitters: Uncertain significance (3). Last evaluated 2024-08-06.

Conditions:
Progressive myoclonic epilepsy type 3. Also called: EPILEPSY, PROGRESSIVE MYOCLONIC, 3, WITHOUT INTRACELLULAR INCLUSIONS; EPILEPSY, PROGRESSIVE MYOCLONIC, 3, WITH OR WITHOUT INTRACELLULAR INCLUSIONS; CEROID LIPOFUSCINOSIS, NEURONAL, 14; KCTD7-Related Progressive Myoclonic Epilepsy. Identifiers: Orphanet 263516, MedGen C2673257, MONDO:0012721, OMIM 611726.

Allele frequency attached by ClinVar (database versions not stated): ExAC 0.00001; gnomAD 0.00002; gnomAD exomes 0.00002 and 0.00004; TOPMed 0.00002.

Submissions (3):

Labcorp Genetics (formerly Invitae), Labcorp
Classification: Uncertain significance for Progressive myoclonic epilepsy type 3. Last evaluated: 2024-08-06. Review status: criteria provided, single submitter. Criteria: Invitae Variant Classification Sherloc (09022015). Collection method: clinical testing. Allele origin: germline.
Comment: This sequence change replaces threonine, which is neutral and polar, with methionine, which is neutral and non-polar, at codon 250 of the KCTD7 protein (p.Thr250Met). This variant is present in population databases (rs760837610, gnomAD 0.006%). This variant has not been reported in the literature in individuals affected with KCTD7-related conditions. ClinVar contains an entry for this variant (Variation ID: 360588). Advanced modeling of protein sequence and biophysical properties (such as structural, functional, and spatial information, amino acid conservation, physicochemical variation, residue mobility, and thermodynamic stability) performed at Invitae indicates that this missense variant is not expected to disrupt KCTD7 protein function with a negative predictive value of 80%. In summary, the available evidence is currently insufficient to determine the role of this variant in disease. Therefore, it has been classified as a Variant of Uncertain Significance.

Blueprint Genetics
Classification: Uncertain significance. Last evaluated: 2023-11-16. Review status: criteria provided, single submitter. Criteria: ACMG Guidelines, 2015. Collection method: clinical testing. Allele origin: germline.

Illumina Laboratory Services, Illumina
Classification: Uncertain significance for Progressive myoclonic epilepsy type 3. Last evaluated: 2018-01-13. Review status: criteria provided, single submitter. Criteria: ICSL Variant Classification Criteria 13 December 2019. Collection method: clinical testing. Allele origin: germline.

NM_153033.5(KCTD7):c.749C>T (p.Thr250Met)

Gene: KCTD7 (potassium channel tetramerization domain containing 7; plus strand). Cytogenetic location: 7q11.21.
Variant type: single nucleotide variant.
Coding change: c.749C>T on transcript NM_153033.5 (MANE Select); coding-DNA position 749, C replaced by T.
Protein change: p.Thr250Met; replaces threonine 250 with methionine.
Molecular consequence: missense variant.
Genome position (GRCh38, 1-based): chr7:66,639,111, C>T. VCF-style: chr7-66639111-C-T. GRCh37 (hg19) VCF-style: chr7-66104098-C-T.
Other names: c.749C>T, p.Thr250Met (NM_001167961.2); short protein forms T250M.
Identifiers: ClinVar variation 360588 (VCV000360588.9), dbSNP rs760837610, ClinGen allele CA4278319.
Genomic context (GRCh38, chr7:66,639,111, plus strand): 5'-TGTCTTTTGGGCCCTGGGAGGCTGTGGCTGATGTTTATGACCTGCTGCACTGCCTGGTCA[C>T]GGACCTCTCGGCCCAGGGTCTCACCGTGGACCACCAGTGCATCGGGGTGTGTGACAAGCA-3'
Protein context (NP_694578.1, residues 240-260): DVYDLLHCLV[Thr250Met]DLSAQGLTVD